The following is an entry in ClinVar:

NM_152383.5(DIS3L2):c.874C>T (p.Arg292Trp)

Gene: DIS3L2 (DIS3 like 3'-5' exoribonuclease 2; plus strand). Cytogenetic location: 2q37.1.
Variant type: single nucleotide variant.
Coding change: c.874C>T on transcript NM_152383.5 (MANE Select); coding-DNA position 874, C replaced by T.
Protein change: p.Arg292Trp; replaces arginine 292 with tryptophan.
Molecular consequence: missense variant. On other transcripts: non-coding transcript variant (1).
Genome position (GRCh38, 1-based): chr2:232,136,643, C>T. VCF-style: chr2-232136643-C-T. GRCh37 (hg19) VCF-style: chr2-233001353-C-T.
Other names: c.874C>T, p.Arg292Trp (NM_001257281.2); short protein forms R292W.
Identifiers: ClinVar variation 410756 (VCV000410756.9), dbSNP rs182004457, ClinGen allele CA2163963.

ClinVar aggregate classification (germline): Uncertain significance (1 of 4 stars; one submission).

Conditions:
Perlman syndrome (PRLMNS). Identifiers: Orphanet 2849, MedGen C0796113, MONDO:0009965, OMIM 267000.

gnomAD v4.1: 23 of 1,613,668 alleles (0.0014%); highest among the groups gnomAD compares: South Asian, 0.0088%; no homozygotes.

Submission:

Labcorp Genetics (formerly Invitae), Labcorp
Classification: Uncertain significance for Perlman syndrome. Last evaluated: 2024-12-08. Review status: criteria provided, single submitter. Criteria: Invitae Variant Classification Sherloc (09022015). Collection method: clinical testing. Allele origin: germline.
Comment: This sequence change replaces arginine, which is basic and polar, with tryptophan, which is neutral and slightly polar, at codon 292 of the DIS3L2 protein (p.Arg292Trp). This variant is present in population databases (rs182004457, gnomAD 0.02%). This variant has not been reported in the literature in individuals affected with DIS3L2-related conditions. ClinVar contains an entry for this variant (Variation ID: 410756). An algorithm developed to predict the effect of missense changes on protein structure and function (PolyPhen-2) suggests that this variant is likely to be disruptive. In summary, the available evidence is currently insufficient to determine the role of this variant in disease. Therefore, it has been classified as a Variant of Uncertain Significance.